The following is an entry in ClinVar:

NM_001365276.2(TNXB):c.10554C>A (p.Tyr3518Ter)

Gene: TNXB (tenascin XB; minus strand). Cytogenetic location: 6p21.33.
Variant type: single nucleotide variant.
Coding change: c.10554C>A on transcript NM_001365276.2 (MANE Select); coding-DNA position 10554, C replaced by A.
Protein change: p.Tyr3518Ter; replaces tyrosine 3518 with a stop codon.
Molecular consequence: nonsense.
Genome position (GRCh38, 1-based): chr6:32,046,227, G>T on the plus strand (C>A on the coding strand, the complement: TNXB is on the minus strand). VCF-style: chr6-32046227-G-T. GRCh37 (hg19) VCF-style: chr6-32014004-G-T.
Other names: c.11295C>A, p.Tyr3765Ter (NM_001428335.1); c.10548C>A, p.Tyr3516Ter (NM_019105.8); short protein forms Y3516*, Y3518*, Y3765*.
Identifiers: ClinVar variation 5015849 (VCV005015849.1).
Genomic context (GRCh38, chr6:32,046,227, plus strand): 5'-AGCCTCACCTGTCATTCCCAGGGCAGAGACCGGGCCCAGGCGCTTTCCCCCAAGGAGCCC[G>T]TAGAGCAGAAACTTGTATTTCTTGCCAGGCTCCAGGTCCTCTACGGTGACTGTGCGCTGG-3'

ClinVar aggregate classification (germline): Pathogenic (1 of 4 stars; one submission).

Conditions:
Ehlers-Danlos syndrome due to tenascin-X deficiency (EDSCLL1). Also called: EDS DUE TO TNX DEFICIENCY; TNX DEFICIENCY; Ehlers-Danlos syndrome, classic-like, 1; EHLERS-DANLOS SYNDROME, CLASSIC-LIKE; TNXB-Related Classical-Like Ehlers-Danlos Syndrome. Identifiers: Orphanet 230839, MedGen C1848029, MONDO:0011670, OMIM 606408.

Submission:

Myriad Genetics, Inc.
Classification: Pathogenic for Ehlers-Danlos syndrome due to tenascin-X deficiency. Last evaluated: 2026-04-30. Review status: criteria provided, single submitter. Criteria: Myriad Autosomal Dominant, Autosomal Recessive and X-Linked Classification Criteria (2023). Collection method: clinical testing. Allele origin: unknown.
Comment: NM_019105.6(TNXB):c.10548C>A(Y3516*) is expected to be pathogenic in the context of classical-like Ehlers-Danlos syndrome, TNXB-related. This variant is predicted to lead to an abnormal or absent protein product due to the creation of a premature termination codon in TNXB, a gene where loss-of-function variants are known to be pathogenic. Please note: this variant was assessed in the context of healthy population screening.